The following is an entry in ClinVar:

NM_182931.3(KMT2E):c.2992A>G (p.Ile998Val)

Gene: KMT2E (lysine methyltransferase 2E (inactive); plus strand). Cytogenetic location: 7q22.3.
Variant type: single nucleotide variant.
Coding change: c.2992A>G on transcript NM_182931.3 (MANE Select); coding-DNA position 2992, A replaced by G.
Protein change: p.Ile998Val; replaces isoleucine 998 with valine.
Molecular consequence: missense variant.
Genome position (GRCh38, 1-based): chr7:105,107,449, A>G. VCF-style: chr7-105107449-A-G. GRCh37 (hg19) VCF-style: chr7-104747896-A-G.
Other names: c.2992A>G, p.Ile998Val (NM_001410908.1, NM_018682.4); short protein forms I998V.
Identifiers: ClinVar variation 2027053 (VCV002027053.4), dbSNP rs372763512, ClinGen allele CA4424378.
Genomic context (GRCh38, chr7:105,107,449, plus strand): 5'-ACATTGGGGCCTTTTAGAAATTCTAATTTAACTGAACTGGGTCTGCAAGAAATAAAGACT[A>G]TTGGTTATACGAGCCCTAGGAGTAGGACTGAAGTCAACAGGCAGTGTCCTGGAGAAAAGG-3'
Protein context (NP_891847.1, residues 988-1008): TELGLQEIKT[Ile998Val]GYTSPRSRTE

ClinVar aggregate classification (germline): Uncertain significance (1 of 4 stars; one submission).

Allele frequency attached by ClinVar (database versions not stated): gnomAD exomes 0.00001; ExAC 0.00002; ESP Exome Variant Server 0.00008.
gnomAD v4.1: 8 of 1,614,014 alleles (0.0005%); highest among the groups gnomAD compares: African/African-American, 0.0027%; no homozygotes.

Submission:

Labcorp Genetics (formerly Invitae), Labcorp
Classification: Uncertain significance. Last evaluated: 2024-11-18. Review status: criteria provided, single submitter. Criteria: Invitae Variant Classification Sherloc (09022015). Collection method: clinical testing. Allele origin: germline.
Comment: This sequence change replaces isoleucine, which is neutral and non-polar, with valine, which is neutral and non-polar, at codon 998 of the KMT2E protein (p.Ile998Val). This variant is present in population databases (rs372763512, gnomAD 0.007%). This variant has not been reported in the literature in individuals affected with KMT2E-related conditions. ClinVar contains an entry for this variant (Variation ID: 2027053). Invitae Evidence Modeling of protein sequence and biophysical properties (such as structural, functional, and spatial information, amino acid conservation, physicochemical variation, residue mobility, and thermodynamic stability) indicates that this missense variant is not expected to disrupt KMT2E protein function with a negative predictive value of 80%. In summary, the available evidence is currently insufficient to determine the role of this variant in disease. Therefore, it has been classified as a Variant of Uncertain Significance.